The following is an entry in ClinVar:

ClinVar aggregate classification (germline): Benign (0 of 4 stars; one submission).

Conditions:
TOPBP1-related disorder. Also called: TOPBP1-related condition.

Allele frequency attached by ClinVar (database versions not stated): 1000 Genomes Project 30x 0.00484; TOPMed 0.00527; 1000 Genomes Project 0.00539; ESP Exome Variant Server 0.00647; gnomAD exomes 0.00811; gnomAD 0.01038; ExAC 0.01099.
gnomAD v4.1: 13,345 of 1,613,522 alleles (0.83%); highest among the groups gnomAD compares: Non-Finnish European, 0.73%; 181 homozygotes.

Submission:

PreventionGenetics, part of Exact Sciences
Classification: Benign for TOPBP1-related condition. Last evaluated: 2019-03-22. Review status: no assertion criteria provided. Collection method: clinical testing. Allele origin: germline.
Comment: This variant is classified as benign based on ACMG/AMP sequence variant interpretation guidelines (Richards et al. 2015 PMID: 25741868, with internal and published modifications).

NM_007027.4(TOPBP1):c.3038G>A (p.Arg1013Gln)

Gene: TOPBP1 (DNA topoisomerase II binding protein 1; minus strand). Cytogenetic location: 3q22.1.
Variant type: single nucleotide variant.
Coding change: c.3038G>A on transcript NM_007027.4 (MANE Select); coding-DNA position 3038, G replaced by A.
Protein change: p.Arg1013Gln; replaces arginine 1013 with glutamine.
Molecular consequence: missense variant.
Genome position (GRCh38, 1-based): chr3:133,623,348, C>T on the plus strand (G>A on the coding strand, the complement: TOPBP1 is on the minus strand). VCF-style: chr3-133623348-C-T. GRCh37 (hg19) VCF-style: chr3-133342192-C-T.
Other names: c.3023G>A, p.Arg1008Gln (NM_001363889.2); short protein forms R1008Q, R1013Q.
Identifiers: ClinVar variation 3037133 (VCV003037133.2), dbSNP rs61758061, ClinGen allele CA2624097.